The following is an entry in ClinVar:

NM_177972.3(TUB):c.241A>G (p.Thr81Ala)

Gene: TUB (TUB bipartite transcription factor; plus strand). Cytogenetic location: 11p15.4.
Variant type: single nucleotide variant.
Coding change: c.241A>G on transcript NM_177972.3 (MANE Select); coding-DNA position 241, A replaced by G.
Protein change: p.Thr81Ala; replaces threonine 81 with alanine.
Molecular consequence: missense variant.
Genome position (GRCh38, 1-based): chr11:8,090,219, A>G. VCF-style: chr11-8090219-A-G. GRCh37 (hg19) VCF-style: chr11-8111766-A-G.
Other names: c.259A>G, p.Thr87Ala (NM_001440538.1, NM_001440539.1, NM_001440540.1 and 1 more transcripts); c.241A>G, p.Thr81Ala (NM_001440541.1); c.406A>G, p.Thr136Ala (NM_003320.5); short protein forms T81A, T87A, T136A.
Identifiers: ClinVar variation 4985799 (VCV004985799.1).

ClinVar aggregate classification (germline): Uncertain significance (1 of 4 stars; one submission).

Conditions:
TUB-related disorder. Also called: TUB-related condition.

Submission:

PreventionGenetics, part of Exact Sciences
Classification: Uncertain significance for TUB-related condition. Last evaluated: 2025-12-28. Review status: criteria provided, single submitter. Criteria: ACMG Guidelines, 2015. Collection method: clinical testing. Allele origin: germline.
Comment: The TUB c.406A>G variant is predicted to result in the amino acid substitution p.Thr136Ala. To our knowledge, this variant has not been reported in the literature or in a large population database (gnomAD), indicating this variant is rare. At this time, the clinical significance of this variant is uncertain due to the absence of conclusive functional and genetic evidence.